The following is an entry in ClinVar:

ClinVar aggregate classification (germline): Likely pathogenic (1 of 4 stars; one submission).

Conditions:
Spastic paraplegia. Identifiers: MedGen C0037772, HP:0001258.

Submission:

Labcorp Genetics (formerly Invitae), Labcorp
Classification: Likely pathogenic for Spastic paraplegia. Last evaluated: 2017-08-21. Review status: criteria provided, single submitter. Criteria: Invitae Variant Classification Sherloc (09022015). Collection method: clinical testing. Allele origin: germline.
Comment: In summary, the currently available evidence indicates that the variant is pathogenic, but additional data are needed to prove that conclusively. Therefore, this variant has been classified as Likely Pathogenic. Donor and acceptor splice site variants typically lead to a loss of protein function (PMID: 16199547), and loss-of-function variants in L1CAM are known to be pathogenic (PMID: 19846429). Algorithms developed to predict the effect of sequence changes on RNA splicing suggest that this variant may disrupt the consensus splice site, but this prediction has not been confirmed by published transcriptional studies. This variant has not been reported in the literature in individuals with L1CAM-related disease. This variant is not present in population databases (ExAC no frequency). This sequence change affects a donor splice site in intron 16 of the L1CAM gene. It is expected to disrupt RNA splicing and likely results in an absent or disrupted protein product.

Literature cited by the submitters: PubMed 16199547; PubMed 19846429.

NM_001278116.2(L1CAM):c.2137+1G>A

Gene: L1CAM (L1 cell adhesion molecule; minus strand). Cytogenetic location: Xq28.
Variant type: single nucleotide variant.
Coding change: c.2137+1G>A on transcript NM_001278116.2 (MANE Select); the canonical splice donor site of the intron after coding-DNA position 2137, G replaced by A.
Molecular consequence: splice donor variant.
Genome position (GRCh38, 1-based): chrX:153,867,355, C>T on the plus strand (G>A on the coding strand, the complement: L1CAM is on the minus strand). VCF-style: chrX-153867355-C-T. GRCh37 (hg19) VCF-style: chrX-153132810-C-T.
Other names: c.2122+1G>A (NM_001143963.2); c.2137+1G>A (NM_024003.3, NM_000425.5).
Identifiers: ClinVar variation 528001 (VCV000528001.7), dbSNP rs1557091278, ClinGen allele CA415121379.
Genomic context (GRCh38, chrX:153,867,355, plus strand): 5'-CTCCCTTCACAGCCCGGAGCCCCTTCCAGGTGGCATGGGAGTGGGTGCCACCCTGACTCA[C>T]CTGCCTCAGGTGTGACCACAGTCTCAGAGACCGGGCTGGGCTCCCCGGGGCCATATTTGT-3'